The following is an entry in ClinVar:

ClinVar aggregate classification (germline): Uncertain significance (1 of 4 stars; one submission).

Allele frequency attached by ClinVar (database versions not stated): gnomAD 0.00003 and 0.00004; ExAC 0.00004; TOPMed 0.00007; gnomAD exomes 0.00008.

Submission:

Labcorp Genetics (formerly Invitae), Labcorp
Classification: Uncertain significance. Last evaluated: 2026-01-28. Review status: criteria provided, single submitter. Criteria: Invitae Variant Classification Sherloc (09022015). Collection method: clinical testing. Allele origin: germline.
Comment: This sequence change replaces methionine, which is neutral and non-polar, with valine, which is neutral and non-polar, at codon 1011 of the ADGRA3 protein (p.Met1011Val). This variant is present in population databases (rs754689153, gnomAD 0.2%), and has an allele count higher than expected for a pathogenic variant. This variant has not been reported in the literature in individuals affected with ADGRA3-related conditions. ClinVar contains an entry for this variant (Variation ID: 1411365). An algorithm developed to predict the effect of missense changes on protein structure and function (PolyPhen-2) suggests that this variant is likely to be tolerated. In summary, the available evidence is currently insufficient to determine the role of this variant in disease. Therefore, it has been classified as a Variant of Uncertain Significance.

NM_145290.4(ADGRA3):c.3031A>G (p.Met1011Val)

Gene: ADGRA3 (adhesion G protein-coupled receptor A3; minus strand). Cytogenetic location: 4p15.2.
Variant type: single nucleotide variant.
Coding change: c.3031A>G on transcript NM_145290.4 (MANE Select); coding-DNA position 3031, A replaced by G.
Protein change: p.Met1011Val; replaces methionine 1011 with valine.
Molecular consequence: missense variant.
Genome position (GRCh38, 1-based): chr4:22,388,640, T>C on the plus strand (A>G on the coding strand, the complement: ADGRA3 is on the minus strand). VCF-style: chr4-22388640-T-C. GRCh37 (hg19) VCF-style: chr4-22390263-T-C.
Other names: short protein forms M1011V.
Identifiers: ClinVar variation 1411365 (VCV001411365.6), dbSNP rs754689153, ClinGen allele CA2873461.